The following is an entry in ClinVar:

ClinVar aggregate classification (germline): Benign/Likely benign. Review status: criteria provided, multiple submitters, no conflicts (2 of 4 stars). 8 submissions from 8 submitters: Benign (3); Likely benign (4). 1 of the submissions does not count toward it. Last evaluated 2026-09-01.

Conditions:
Megaconial type congenital muscular dystrophy (MDCMC). Also called: CHKB-Related Muscle Diseases; MUSCULAR DYSTROPHY, CONGENITAL, WITH MITOCHONDRIAL STRUCTURAL ABNORMALITIES; CHKB-Related Muscular Dystrophy. Identifiers: Orphanet 280671, MedGen C1865233, MONDO:0011246, OMIM 602541.
CHKB-related disorder. Also called: CHKB-related condition.

Allele frequency attached by ClinVar (database versions not stated): 1000 Genomes Project 30x 0.00062; gnomAD 0.00157 and 0.00169; TOPMed 0.00166; gnomAD exomes 0.00193; ESP Exome Variant Server 0.00202; ExAC 0.00247.

Submissions (8):

CeGaT Center for Human Genetics Tuebingen
Classification: Likely benign. Last evaluated: 2026-09-01. Review status: criteria provided, single submitter. Criteria: CeGaT Center For Human Genetics Tuebingen Variant Classification Criteria Version 2. Collection method: clinical testing. Allele origin: germline. Affected: yes. Observed: 5 variant alleles.
Comment: CHKB: BS2

Labcorp Genetics (formerly Invitae), Labcorp
Classification: Benign for Megaconial type congenital muscular dystrophy. Last evaluated: 2026-01-26. Review status: criteria provided, single submitter. Criteria: Invitae Variant Classification Sherloc (09022015). Collection method: clinical testing. Allele origin: germline.

Blueprint Genetics
Classification: Likely benign. Last evaluated: 2024-11-25. Review status: criteria provided, single submitter. Criteria: ACMG Guidelines, 2015. Collection method: clinical testing. Allele origin: germline.

Athena Diagnostics
Classification: Benign. Last evaluated: 2024-10-25. Review status: criteria provided, single submitter. Criteria: Athena Diagnostics Criteria. Collection method: clinical testing. Allele origin: unknown.

Illumina Laboratory Services, Illumina
Classification: Likely benign for Megaconial type congenital muscular dystrophy. Last evaluated: 2018-01-13. Review status: criteria provided, single submitter. Criteria: ICSL Variant Classification Criteria 13 December 2019. Collection method: clinical testing. Allele origin: germline.
Comment: This variant was observed in the ICSL laboratory as part of a predisposition screen in an ostensibly healthy population. It had not been previously curated by ICSL or reported in the Human Gene Mutation Database (HGMD: prior to June 1st, 2018), and was therefore a candidate for classification through an automated scoring system. Utilizing variant allele frequency, disease prevalence and penetrance estimates, and inheritance mode, an automated score was calculated to assess if this variant is too frequent to cause the disease. Based on the score and internal cut-off values, a variant classified as likely benign is not then subjected to further curation. The score for this variant resulted in a classification of likely benign for this disease.

GeneDx
Classification: Benign. Last evaluated: 2017-09-27. Review status: criteria provided, single submitter. Criteria: GeneDx Variant Classification (06012015). Collection method: clinical testing. Allele origin: germline. Affected: yes.
Comment: This variant is considered likely benign or benign based on one or more of the following criteria: it is a conservative change, it occurs at a poorly conserved position in the protein, it is predicted to be benign by multiple in silico algorithms, and/or has population frequency not consistent with disease.

Breakthrough Genomics
Classification: Likely benign. Review status: criteria provided, single submitter. Criteria: ACMG Guidelines, 2015. Collection method: not provided. Allele origin: germline. Inheritance: Autosomal recessive inheritance. Affected: yes.

PreventionGenetics, part of Exact Sciences
Classification: Likely benign for CHKB-related condition. Last evaluated: 2022-02-14. Review status: no assertion criteria provided. Collection method: clinical testing. Allele origin: germline. Not counted in ClinVar's aggregate classification.
Comment: This variant is classified as likely benign based on ACMG/AMP sequence variant interpretation guidelines (Richards et al. 2015 PMID: 25741868, with internal and published modifications).

NM_005198.5(CHKB):c.149A>G (p.Tyr50Cys)

Genes: CHKB (choline kinase beta; minus strand), CHKB-CPT1B (CHKB-CPT1B readthrough (NMD candidate); minus strand). Cytogenetic location: 22q13.33.
Variant type: single nucleotide variant.
Coding change: c.149A>G on transcript NM_005198.5 (MANE Select); coding-DNA position 149, A replaced by G.
Protein change: p.Tyr50Cys; replaces tyrosine 50 with cysteine.
Molecular consequence: missense variant. On other transcripts: non-coding transcript variant (1).
Genome position (GRCh38, 1-based): chr22:50,582,633, T>C on the plus strand (A>G on the coding strand, the complement: CHKB is on the minus strand). VCF-style: chr22-50582633-T-C. GRCh37 (hg19) VCF-style: chr22-51021062-T-C.
Other names: short protein forms Y50C.
Identifiers: ClinVar variation 342177 (VCV000342177.42), dbSNP rs138205828, ClinGen allele CA10323900.
Genomic context (GRCh38, chr22:50,582,633, plus strand): 5'-CTCAGCTCCTCGGGCTGCACTCGGCGCCAGGCCCCGCCCAAGTACTCCCGGCACCATTGG[T>C]AGGCTCGGCGCTCGGCGTCACGCGACAGCGACGAGGCGCGCCGCCGTTTTGGGGTAGTGT-3'
Protein context (NP_005189.2, residues 40-60): SLSRDAERRA[Tyr50Cys]QWCREYLGGA